The following is an entry in ClinVar:

ClinVar aggregate classification (germline): Uncertain significance (1 of 4 stars; one submission).

Conditions:
Cardiovascular phenotype. Identifiers: MedGen CN230736.

Allele frequency attached by ClinVar (database versions not stated): TOPMed below 0.00001.
gnomAD v4.1: 6 of 1,613,270 alleles (0.00037%); highest among the groups gnomAD compares: Non-Finnish European, 0.00051%; no homozygotes.

Submission:

Ambry Genetics
Classification: Uncertain significance for Cardiovascular phenotype. Last evaluated: 2022-09-12. Review status: criteria provided, single submitter. Criteria: Ambry Variant Classification Scheme 2023. Collection method: clinical testing. Allele origin: germline.
Comment: The p.P604H variant (also known as c.1811C>A), located in coding exon 12 of the SCN10A gene, results from a C to A substitution at nucleotide position 1811. The proline at codon 604 is replaced by histidine, an amino acid with similar properties. This amino acid position is not well conserved in available vertebrate species, and histidine is the reference amino acid in other vertebrate species. In addition, the in silico prediction for this alteration is inconclusive. Since supporting evidence is limited at this time, the clinical significance of this alteration remains unclear.

NM_006514.4(SCN10A):c.1811C>A (p.Pro604His)

Gene: SCN10A (sodium voltage-gated channel alpha subunit 10; minus strand). Cytogenetic location: 3p22.2.
Variant type: single nucleotide variant.
Coding change: c.1811C>A on transcript NM_006514.4 (MANE Select); coding-DNA position 1811, C replaced by A.
Protein change: p.Pro604His; replaces proline 604 with histidine.
Molecular consequence: missense variant.
Genome position (GRCh38, 1-based): chr3:38,750,129, G>T on the plus strand (C>A on the coding strand, the complement: SCN10A is on the minus strand). VCF-style: chr3-38750129-G-T. GRCh37 (hg19) VCF-style: chr3-38791620-G-T.
Other names: c.1811C>A, p.Pro604His (NM_001293306.2); c.1517C>A, p.Pro506His (NM_001293307.2); short protein forms P506H, P604H.
Identifiers: ClinVar variation 1780592 (VCV001780592.2), dbSNP rs753631651, ClinGen allele CA72984150.